The following is an entry in ClinVar:

ClinVar aggregate classification (germline): Pathogenic/Likely pathogenic. Review status: criteria provided, multiple submitters, no conflicts (2 of 4 stars). 3 submissions from 3 submitters: Pathogenic (1); Likely pathogenic (2). Last evaluated 2024-07-01.

Conditions:
Cohen syndrome (COH1). Also called: PEPPER SYNDROME; Cutis verticis gyrata, retinitis pigmentosa, and sensorineural deafness. Identifiers: Orphanet 193, MedGen C0265223, MONDO:0008999, OMIM 216550.
VPS13B-related disorder. Also called: VPS13B-related condition.

Allele frequency attached by ClinVar (database versions not stated): TOPMed 0.00001; ESP Exome Variant Server 0.00008.

Submissions (3):

Natera, Inc.
Classification: Likely pathogenic for Cohen syndrome. Last evaluated: 2024-07-01. Review status: criteria provided, single submitter. Criteria: Natera Variant Classification Schema (03/2026). Collection method: clinical testing. Allele origin: germline.
Comment: The c.9164G>A variant in VPS13B is a nonsense variant predicted to introduce a stop codon at amino acid 3055. This variant is expected to result in nonsense mediated decay, truncation, or a dysfunctional protein product. This variant is rare in the general population with a frequency below the threshold expected for the associated phenotype(s). Given the available evidence, this variant is classified as Likely Pathogenic.

Labcorp Genetics (formerly Invitae), Labcorp
Classification: Pathogenic for Cohen syndrome. Last evaluated: 2022-10-27. Review status: criteria provided, single submitter. Criteria: Invitae Variant Classification Sherloc (09022015). Collection method: clinical testing. Allele origin: germline.
Comment: This sequence change creates a premature translational stop signal (p.Trp3055*) in the VPS13B gene. It is expected to result in an absent or disrupted protein product. Loss-of-function variants in VPS13B are known to be pathogenic (PMID: 15141358, 16648375, 20461111). This variant is present in population databases (rs151159090, gnomAD 0.007%). This variant has not been reported in the literature in individuals affected with VPS13B-related conditions. For these reasons, this variant has been classified as Pathogenic.

Blueprint Genetics
Classification: Likely pathogenic for VPS13B-related disorders. Last evaluated: 2022-02-14. Review status: criteria provided, single submitter. Criteria: ACMG Guidelines, 2015. Collection method: clinical testing. Allele origin: germline. Affected: yes. Observed: 2 variant alleles.

Literature cited by the submitters: PubMed 15141358 (cited by Labcorp Genetics (formerly Invitae), Labcorp); PubMed 16648375 (cited by Labcorp Genetics (formerly Invitae), Labcorp); PubMed 20461111 (cited by Labcorp Genetics (formerly Invitae), Labcorp).

NM_152564.5(VPS13B):c.9089G>A (p.Trp3030Ter)

Gene: VPS13B (vacuolar protein sorting 13 homolog B; plus strand). Cytogenetic location: 8q22.2.
Variant type: single nucleotide variant.
Coding change: c.9089G>A on transcript NM_152564.5 (MANE Select); coding-DNA position 9089, G replaced by A.
Protein change: p.Trp3030Ter; replaces tryptophan 3030 with a stop codon.
Molecular consequence: nonsense.
Genome position (GRCh38, 1-based): chr8:99,821,388, G>A. VCF-style: chr8-99821388-G-A. GRCh37 (hg19) VCF-style: chr8-100833616-G-A.
Other names: c.9164G>A, p.Trp3055Ter (NM_017890.5); short protein forms W3030*, W3055*.
Identifiers: ClinVar variation 2810301 (VCV002810301.5), dbSNP rs151159090, ClinGen allele CA182330037.